The following is an entry in ClinVar:

NM_138348.6(OTULIN):c.278A>C (p.Lys93Thr)

Gene: OTULIN (OTU deubiquitinase with linear linkage specificity; plus strand). Cytogenetic location: 5p15.2.
Variant type: single nucleotide variant.
Coding change: c.278A>C on transcript NM_138348.6 (MANE Select); coding-DNA position 278, A replaced by C.
Protein change: p.Lys93Thr; replaces lysine 93 with threonine.
Molecular consequence: missense variant.
Genome position (GRCh38, 1-based): chr5:14,678,729, A>C. VCF-style: chr5-14678729-A-C. GRCh37 (hg19) VCF-style: chr5-14678838-A-C.
Other names: short protein forms K93T.
Identifiers: ClinVar variation 4689464 (VCV004689464.2).

ClinVar aggregate classification (germline): Uncertain significance. Review status: criteria provided, multiple submitters, no conflicts (2 of 4 stars). 2 submissions from 2 submitters: Uncertain significance (2). Last evaluated 2026-01-12.

gnomAD v4.1: 13 of 1,609,944 alleles (0.00081%); highest among the groups gnomAD compares: Non-Finnish European, 0.0011%; no homozygotes.

Submissions (2):

Women's Health and Genetics/Laboratory Corporation of America, LabCorp
Classification: Uncertain significance. Last evaluated: 2026-01-12. Review status: criteria provided, single submitter. Criteria: LabCorp Variant Classification Summary - May 2015. Collection method: clinical testing. Allele origin: germline.
Comment: Variant summary: OTULIN c.278A>C (p.Lys93Thr) results in a non-conservative amino acid change in the encoded protein sequence. Algorithms developed to predict the effect of missense changes on protein structure and function are either unavailable or do not agree on the potential impact of this missense change. The variant allele was found at a frequency of 4.1e-06 in 245250 control chromosomes. The available data on variant occurrences in the general population are insufficient to allow any conclusion about variant significance. To our knowledge, no occurrence of c.278A>C in individuals affected with OTULIN-related conditions and no experimental evidence demonstrating its impact on protein function have been reported. No submitters have cited clinical-significance assessments for this variant to ClinVar. Based on the evidence outlined above, the variant was classified as uncertain significance.

Labcorp Genetics (formerly Invitae), Labcorp
Classification: Uncertain significance. Last evaluated: 2025-03-06. Review status: criteria provided, single submitter. Criteria: Invitae Variant Classification Sherloc (09022015). Collection method: clinical testing. Allele origin: germline.
Comment: This sequence change replaces lysine, which is basic and polar, with threonine, which is neutral and polar, at codon 93 of the OTULIN protein (p.Lys93Thr). This variant is present in population databases (rs769403310, gnomAD 0.002%). This variant has not been reported in the literature in individuals affected with OTULIN-related conditions. Invitae Evidence Modeling of protein sequence and biophysical properties (such as structural, functional, and spatial information, amino acid conservation, physicochemical variation, residue mobility, and thermodynamic stability) indicates that this missense variant is not expected to disrupt OTULIN protein function with a negative predictive value of 80%. In summary, the available evidence is currently insufficient to determine the role of this variant in disease. Therefore, it has been classified as a Variant of Uncertain Significance.